The following is an entry in ClinVar:

ClinVar aggregate classification (germline): Uncertain significance (1 of 4 stars; one submission).

Allele frequency attached by ClinVar (database versions not stated): gnomAD exomes below 0.00001 and 0.00002; gnomAD 0.00002 and 0.00003; TOPMed 0.00003.
gnomAD v4.1: 10 of 1,613,710 alleles (0.00062%); highest among the groups gnomAD compares: Admixed American, 0.0083%; no homozygotes.

Submission:

Labcorp Genetics (formerly Invitae), Labcorp
Classification: Uncertain significance. Last evaluated: 2024-12-02. Review status: criteria provided, single submitter. Criteria: Invitae Variant Classification Sherloc (09022015). Collection method: clinical testing. Allele origin: germline.
Comment: This sequence change replaces asparagine, which is neutral and polar, with aspartic acid, which is acidic and polar, at codon 2878 of the USH2A protein (p.Asn2878Asp). This variant is present in population databases (no rsID available, gnomAD 0.009%). This variant has not been reported in the literature in individuals affected with USH2A-related conditions. ClinVar contains an entry for this variant (Variation ID: 1371448). Invitae Evidence Modeling of protein sequence and biophysical properties (such as structural, functional, and spatial information, amino acid conservation, physicochemical variation, residue mobility, and thermodynamic stability) indicates that this missense variant is not expected to disrupt USH2A protein function with a negative predictive value of 95%. In summary, the available evidence is currently insufficient to determine the role of this variant in disease. Therefore, it has been classified as a Variant of Uncertain Significance.

NM_206933.4(USH2A):c.8632A>G (p.Asn2878Asp)

Gene: USH2A (usherin; minus strand). Cytogenetic location: 1q41.
Variant type: single nucleotide variant.
Coding change: c.8632A>G on transcript NM_206933.4 (MANE Select); coding-DNA position 8632, A replaced by G.
Protein change: p.Asn2878Asp; replaces asparagine 2878 with aspartic acid.
Molecular consequence: missense variant.
Genome position (GRCh38, 1-based): chr1:215,877,807, T>C on the plus strand (A>G on the coding strand, the complement: USH2A is on the minus strand). VCF-style: chr1-215877807-T-C. GRCh37 (hg19) VCF-style: chr1-216051149-T-C.
Other names: short protein forms N2878D.
Identifiers: ClinVar variation 1371448 (VCV001371448.5), dbSNP rs1406942984, ClinGen allele CA344829270.